The following is an entry in ClinVar:

ClinVar aggregate classification (germline): Conflicting classifications of pathogenicity. Review status: criteria provided, conflicting classifications (1 of 4 stars). 9 submissions from 9 submitters: Uncertain significance (3); Likely benign (3). 3 of the submissions do not count toward it. Last evaluated 2026-01-26.

Conditions:
Idiopathic Pulmonary Fibrosis. Also called: Idiopathic fibrosing alveolitis, chronic form; idiopathic fibrosing alveolitis. Identifiers: Orphanet 2032, MedGen C1800706, MeSH D054990, MONDO:0800504.
Dyskeratosis congenita, autosomal dominant 2. Identifiers: MedGen C3151443, MONDO:0013521, OMIM 613989.
TERT-related disorder. Also called: TERT-related disorders; TERT-related condition.
Dyskeratosis congenita. Identifiers: Orphanet 1775, MedGen C0265965, MONDO:0015780.

Allele frequency attached by ClinVar (database versions not stated): gnomAD exomes 0.00013; ExAC 0.00020; 1000 Genomes Project 0.00040; 1000 Genomes Project 30x 0.00062; gnomAD 0.00081 and 0.00084; TOPMed 0.00107.

Submissions (9):

Labcorp Genetics (formerly Invitae), Labcorp
Classification: Likely benign for Dyskeratosis congenita, autosomal dominant 2; Idiopathic Pulmonary Fibrosis. Last evaluated: 2026-01-26. Review status: criteria provided, single submitter. Criteria: Invitae Variant Classification Sherloc (09022015). Collection method: clinical testing. Allele origin: germline.

GeneDx
Classification: Uncertain significance. Last evaluated: 2024-05-10. Review status: criteria provided, single submitter. Criteria: GeneDx Variant Classification Process June 2021. Collection method: clinical testing. Allele origin: germline. Affected: yes.
Comment: Observed in at least one individual with myelodysplastic syndrome or non-Hodgkin lymphoma (PMID: 34019641); In silico analysis indicates that this missense variant does not alter protein structure/function; This variant is associated with the following publications: (PMID: 21520174, 34019641, 36315513)

ARUP Laboratories, Molecular Genetics and Genomics, ARUP Laboratories
Classification: Uncertain significance. Last evaluated: 2024-02-06. Review status: criteria provided, single submitter. Criteria: ARUP Molecular Germline Variant Investigation Process 2024. Collection method: clinical testing. Allele origin: germline.

Blueprint Genetics
Classification: Likely benign. Last evaluated: 2022-09-13. Review status: criteria provided, single submitter. Criteria: ACMG Guidelines, 2015. Collection method: clinical testing. Allele origin: germline.

Sema4
Classification: Uncertain significance for Dyskeratosis congenita. Last evaluated: 2021-12-17. Review status: criteria provided, single submitter. Criteria: Sema4 Curation Guidelines. Collection method: curation. Allele origin: germline.
Comment: The TERT c.1336C>A (p.R446S) variant has been reported in a cohort of myelodysplastic syndrome and non-Hodgkin lymphoma patients as well as in controls (PMID: 34019641, 21520174). It was observed in 36/15974 chromosomes of the African/African American subpopulation in the large and broad cohorts of the Genome Aggregation Database (PMID: 32461654). The variant has been reported in ClinVar (Variation ID 242216). Functional studies have not been performed, and in silico predictions of the variant's effect on protein function are inconclusive. There is no indication that this variant causes disease, but the evidence is insufficient currently to prove that conclusively. Thus, the clinical significance of this variant is currently uncertain.

Ambry Genetics
Classification: Likely benign for Dyskeratosis congenita. Last evaluated: 2018-02-23. Review status: criteria provided, single submitter. Criteria: Ambry Variant Classification Scheme 2023. Collection method: clinical testing. Allele origin: germline.

Genetic Services Laboratory, University of Chicago
Classification: Uncertain significance. Last evaluated: 2022-08-22. Review status: no assertion criteria provided. Collection method: clinical testing. Allele origin: germline. Affected: no. Not counted in ClinVar's aggregate classification.
Comment: DNA sequence analysis of the TERT gene demonstrated a sequence change, c.1336C>A, in exon 2 that results in an amino acid change, p.Arg446Ser. This sequence change does not appear to have been previously described in individuals with TERT-related disorders. This sequence change has been described in the gnomAD database with a frequency of 0.23% in the African subpopulation and 0.022% in the general population (dbSNP rs567650961). The p.Arg446Ser change affects a poorly conserved amino acid residue located in a domain of the TERT protein that is not known to be functional. The p.Arg446Ser substitution appears to benign using several in-silico pathogenicity prediction tools (SIFT, PolyPhen2, Align GVGD, REVEL). Due to insufficient evidences and the lack of functional studies, the clinical significance of the p.Arg446Ser change remains unknown at this time.

PreventionGenetics, part of Exact Sciences
Classification: Likely benign for TERT-related condition. Last evaluated: 2022-08-08. Review status: no assertion criteria provided. Collection method: clinical testing. Allele origin: germline. Not counted in ClinVar's aggregate classification.
Comment: This variant is classified as likely benign based on ACMG/AMP sequence variant interpretation guidelines (Richards et al. 2015 PMID: 25741868, with internal and published modifications).

Department of Pathology and Laboratory Medicine, Sinai Health System
Classification: Uncertain significance. Review status: no assertion criteria provided. Collection method: clinical testing. Allele origin: unknown. Affected: yes. Study: The Canadian Open Genetics Repository (COGR). Not counted in ClinVar's aggregate classification.
Comment: The TERT p.Arg446Ser variant was not identified in the literature nor was it identified in Cosmic or LOVD 3.0. The variant was identified in dbSNP (ID: rs567650961) and ClinVar (classified as a VUS by Invitae for Dyskeratosis congenita, autosomal dominant, 2 and Idiopathic fibrosing alveolitis, chronic form). The variant was identified in control databases in 40 of 181780 chromosomes at a frequency of 0.00022 (Genome Aggregation Database Feb 27, 2017). The variant was observed in the following populations: African in 36 of 15974 chromosomes (freq: 0.002254), Other in 1 of 5340 chromosomes (freq: 0.000187), Latino in 2 of 25482 chromosomes (freq: 0.000078) and European (non-Finnish) in 1 of 72558 chromosomes (freq: 0.000014), but not observed in the Ashkenazi Jewish, East Asian, European (Finnish) or South Asian populations. The p.Arg446 residue is not conserved in mammals and four out of five computational analyses (PolyPhen-2, SIFT, AlignGVGD, MutationTaster) do not suggest a high likelihood of impact to the protein; however, this information is not predictive enough to rule out pathogenicity. The variant occurs outside of the splicing consensus sequence and in silico or computational prediction software programs (SpliceSiteFinder, MaxEntScan, NNSPLICE, GeneSplicer) do not predict a difference in splicing at the variant location. In summary, based on the above information the clinical significance of this variant cannot be determined with certainty at this time. This variant is classified as a variant of uncertain significance.

Literature cited by the submitters: PubMed 34019641 (cited by Sema4); PubMed 21520174 (cited by Sema4).

NM_198253.3(TERT):c.1336C>A (p.Arg446Ser)

Gene: TERT (telomerase reverse transcriptase; minus strand). Cytogenetic location: 5p15.33.
Variant type: single nucleotide variant.
Coding change: c.1336C>A on transcript NM_198253.3 (MANE Select); coding-DNA position 1336, C replaced by A.
Protein change: p.Arg446Ser; replaces arginine 446 with serine.
Molecular consequence: missense variant. On other transcripts: non-coding transcript variant (2).
Genome position (GRCh38, 1-based): chr5:1,293,550, G>T on the plus strand (C>A on the coding strand, the complement: TERT is on the minus strand). VCF-style: chr5-1293550-G-T. GRCh37 (hg19) VCF-style: chr5-1293665-G-T.
Other names: c.1336C>A, p.Arg446Ser (NM_001193376.3); short protein forms R446S.
Identifiers: ClinVar variation 242216 (VCV000242216.28), dbSNP rs567650961, ClinGen allele CA3184855.